The following is an entry in ClinVar:

NM_032043.3(BRIP1):c.2835A>G (p.Glu945=)

Gene: BRIP1 (BRCA1 interacting DNA helicase 1; minus strand). Cytogenetic location: 17q23.2.
Variant type: single nucleotide variant.
Coding change: c.2835A>G on transcript NM_032043.3 (MANE Select); coding-DNA position 2835, A replaced by G.
Protein change: p.Glu945=; no amino-acid change (glutamic acid 945 retained).
Molecular consequence: synonymous variant.
Genome position (GRCh38, 1-based): chr17:61,685,906, T>C on the plus strand (A>G on the coding strand, the complement: BRIP1 is on the minus strand). VCF-style: chr17-61685906-T-C. GRCh37 (hg19) VCF-style: chr17-59763267-T-C.
Identifiers: ClinVar variation 187311 (VCV000187311.21), dbSNP rs786203633, ClinGen allele CA197318.

ClinVar aggregate classification (germline): Benign/Likely benign. Review status: criteria provided, multiple submitters, no conflicts (2 of 4 stars). 6 submissions from 6 submitters: Benign (1); Likely benign (5). Last evaluated 2025-05-05.

Conditions:
Familial cancer of breast. Also called: BREAST CANCER, FAMILIAL; Hereditary breast cancer; hereditary breast carcinoma. Identifiers: Orphanet 227535, MedGen C0346153, MONDO:0016419, OMIM 114480. Disease mechanism: loss of function.
Fanconi anemia complementation group J. Also called: BRIP1-Related Fanconi Anemia. Identifiers: Orphanet 84, MedGen C1836860, MONDO:0012187, OMIM 609054.
Hereditary cancer-predisposing syndrome. Also called: Hereditary Cancer Syndrome; Neoplastic Syndromes, Hereditary; Tumor predisposition; Hereditary neoplastic syndrome. Identifiers: Orphanet 140162, MedGen C0027672, MeSH D009386, MONDO:0015356.

Allele frequency attached by ClinVar (database versions not stated): gnomAD exomes below 0.00001.
gnomAD v4.1: 2 of 1,614,088 alleles (0.00012%); highest among the groups gnomAD compares: Non-Finnish European, 0.00017%; no homozygotes.

Submissions (6):

Labcorp Genetics (formerly Invitae), Labcorp
Classification: Likely benign for Familial cancer of breast; Fanconi anemia complementation group J. Last evaluated: 2025-05-05. Review status: criteria provided, single submitter. Criteria: Invitae Variant Classification Sherloc (09022015). Collection method: clinical testing. Allele origin: germline.

Myriad Genetics, Inc.
Classification: Benign for Familial cancer of breast. Last evaluated: 2024-09-06. Review status: criteria provided, single submitter. Criteria: Myriad Autosomal Dominant, Autosomal Recessive and X-Linked Classification Criteria (2023). Collection method: clinical testing. Allele origin: unknown.
Comment: This variant is considered benign. This variant is a silent/synonymous amino acid change and it is not expected to impact splicing.

Department of Pathology and Laboratory Medicine, Sinai Health System
Classification: Likely benign for Familial cancer of breast. Last evaluated: 2023-10-10. Review status: criteria provided, single submitter. Criteria: ACMG Guidelines, 2015. Collection method: clinical testing. Allele origin: germline. Affected: yes.

GeneDx
Classification: Likely benign. Last evaluated: 2019-05-22. Review status: criteria provided, single submitter. Criteria: GeneDx Variant Classification Process June 2021. Collection method: clinical testing. Allele origin: germline. Affected: yes.

Color Diagnostics, LLC DBA Color Health
Classification: Likely benign for Hereditary cancer-predisposing syndrome. Last evaluated: 2016-11-28. Review status: criteria provided, single submitter. Criteria: ACMG Guidelines, 2015. Collection method: clinical testing. Allele origin: germline.

Ambry Genetics
Classification: Likely benign for Hereditary cancer-predisposing syndrome. Last evaluated: 2014-12-02. Review status: criteria provided, single submitter. Criteria: Ambry Variant Classification Scheme 2023. Collection method: clinical testing. Allele origin: germline.